The following is an entry in ClinVar:

ClinVar aggregate classification (germline): Uncertain significance (1 of 4 stars; one submission).

Conditions:
Agammaglobulinemia 4, autosomal recessive (AGM4). Also called: B cell linker protein deficiency; AGAMMAGLOBULINEMIA, AUTOSOMAL RECESSIVE, DUE TO BLNK DEFECT. Identifiers: MedGen C3150752, MONDO:0013289, OMIM 613502.

Allele frequency attached by ClinVar (database versions not stated): TOPMed 0.00004; ExAC 0.00005; ESP Exome Variant Server 0.00008; gnomAD 0.00002.
gnomAD v4.1: 43 of 1,613,938 alleles (0.0027%); highest among the groups gnomAD compares: Admixed American, 0.0067%; no homozygotes.

Submission:

Labcorp Genetics (formerly Invitae), Labcorp
Classification: Uncertain significance for Agammaglobulinemia 4, autosomal recessive. Last evaluated: 2022-04-15. Review status: criteria provided, single submitter. Criteria: Invitae Variant Classification Sherloc (09022015). Collection method: clinical testing. Allele origin: germline.
Comment: This sequence change replaces serine, which is neutral and polar, with arginine, which is basic and polar, at codon 269 of the BLNK protein (p.Ser269Arg). This variant is present in population databases (rs374762276, gnomAD 0.007%). This variant has not been reported in the literature in individuals affected with BLNK-related conditions. ClinVar contains an entry for this variant (Variation ID: 639117). Algorithms developed to predict the effect of missense changes on protein structure and function output the following: SIFT: "Deleterious"; PolyPhen-2: "Benign"; Align-GVGD: "Class C0". The arginine amino acid residue is found in multiple mammalian species, which suggests that this missense change does not adversely affect protein function. In summary, the available evidence is currently insufficient to determine the role of this variant in disease. Therefore, it has been classified as a Variant of Uncertain Significance.

NM_013314.4(BLNK):c.807T>G (p.Ser269Arg)

Gene: BLNK (B cell linker; minus strand). Cytogenetic location: 10q24.1.
Variant type: single nucleotide variant.
Coding change: c.807T>G on transcript NM_013314.4 (MANE Select); coding-DNA position 807, T replaced by G.
Protein change: p.Ser269Arg; replaces serine 269 with arginine.
Molecular consequence: missense variant. On other transcripts: non-coding transcript variant (4).
Genome position (GRCh38, 1-based): chr10:96,207,021, A>C on the plus strand (T>G on the coding strand, the complement: BLNK is on the minus strand). VCF-style: chr10-96207021-A-C. GRCh37 (hg19) VCF-style: chr10-97966777-A-C.
Other names: c.738T>G, p.Ser246Arg (NM_001114094.2, NM_001258441.2); c.807T>G, p.Ser269Arg (NM_001258440.2); c.492T>G, p.Ser164Arg (NM_001258442.2); short protein forms S269R, S164R, S246R.
Identifiers: ClinVar variation 639117 (VCV000639117.6), dbSNP rs374762276, ClinGen allele CA5623308.